The following is an entry in ClinVar:

NM_015557.3(CHD5):c.4475G>A (p.Arg1492Gln)

Gene: CHD5 (chromodomain helicase DNA binding protein 5; minus strand). Cytogenetic location: 1p36.31.
Variant type: single nucleotide variant.
Coding change: c.4475G>A on transcript NM_015557.3 (MANE Select); coding-DNA position 4475, G replaced by A.
Protein change: p.Arg1492Gln; replaces arginine 1492 with glutamine.
Molecular consequence: missense variant.
Genome position (GRCh38, 1-based): chr1:6,124,581, C>T on the plus strand (G>A on the coding strand, the complement: CHD5 is on the minus strand). VCF-style: chr1-6124581-C-T. GRCh37 (hg19) VCF-style: chr1-6184641-C-T.
Other names: short protein forms R1492Q.
Identifiers: ClinVar variation 3376340 (VCV003376340.2).

ClinVar aggregate classification (germline): Uncertain significance. Review status: criteria provided, multiple submitters, no conflicts (2 of 4 stars). 2 submissions from 2 submitters: Uncertain significance (2). Last evaluated 2026-09-01.

Conditions:
Parenti-mignot neurodevelopmental syndrome. Identifiers: MedGen C5676984, MONDO:0859249, OMIM 619873.

gnomAD v4.1: 25 of 1,603,276 alleles (0.0016%); highest among the groups gnomAD compares: East Asian, 0.0046%; no homozygotes.

Submissions (2):

CeGaT Center for Human Genetics Tuebingen
Classification: Uncertain significance. Last evaluated: 2026-09-01. Review status: criteria provided, single submitter. Criteria: CeGaT Center For Human Genetics Tuebingen Variant Classification Criteria Version 2. Collection method: clinical testing. Allele origin: germline. Affected: yes. Observed: 1 variant allele.
Comment: CHD5: PP2, PP3

Pittsburgh Clinical Genomics Laboratory, University of Pittsburgh Medical Center
Classification: Uncertain significance for Parenti-mignot neurodevelopmental syndrome. Last evaluated: 2024-03-04. Review status: criteria provided, single submitter. Criteria: ACMG Guidelines, 2015. Collection method: clinical testing. Allele origin: germline. Inheritance: Autosomal dominant inheritance. Affected: yes.
Comment: This sequence variant is a single nucleotide substitution (G>A) at position 4475 of the coding sequence of the CHD5 gene that results in an arginine to glutamine amino acid change at residue 1492 of chromodomain helicase DNA binding protein 5. This variant is absent from ClinVar and has not been observed in individuals affected by a CHD5-related disorder in the published literature, to our knowledge. This variant is present in 25 of 1457054 alleles (0.0017%) in the gnomAD v4.0.0 population dataset. Multiple bioinformatic tools predict that this amino acid change would be damaging, and the Arg1492 residue at this position is highly conserved across the vertebrate species examined. Studies examining the functional consequence of this variant have not been published, to our knowledge. At this time, there is insufficient evidence to determine if this variant is pathogenic or benign. Therefore, we consider this a variant of uncertain significance. ACMG Criteria: PM2, PP3